The following is an entry in ClinVar:

NM_002497.4(NEK2):c.715C>A (p.Arg239Ser)

Gene: NEK2 (NIMA related kinase 2; minus strand). Cytogenetic location: 1q32.3.
Variant type: single nucleotide variant.
Coding change: c.715C>A on transcript NM_002497.4 (MANE Select); coding-DNA position 715, C replaced by A.
Protein change: p.Arg239Ser; replaces arginine 239 with serine.
Molecular consequence: missense variant.
Genome position (GRCh38, 1-based): chr1:211,670,331, G>T on the plus strand (C>A on the coding strand, the complement: NEK2 is on the minus strand). VCF-style: chr1-211670331-G-T. GRCh37 (hg19) VCF-style: chr1-211843673-G-T.
Other names: c.715C>A, p.Arg239Ser (NM_001204182.2, NM_001204183.2); short protein forms R239S.
Identifiers: ClinVar variation 2783240 (VCV002783240.4), dbSNP rs763642279, ClinGen allele CA1381614.

ClinVar aggregate classification (germline): Uncertain significance. Review status: criteria provided, multiple submitters, no conflicts (2 of 4 stars). 2 submissions from 2 submitters: Uncertain significance (2). Last evaluated 2024-05-06.

gnomAD v4.1: 7 of 1,612,434 alleles (0.00043%); highest among the groups gnomAD compares: Middle Eastern, 0.017%; no homozygotes.

Submissions (2):

Blueprint Genetics
Classification: Uncertain significance. Last evaluated: 2024-05-06. Review status: criteria provided, single submitter. Criteria: ACMG Guidelines, 2015. Collection method: clinical testing. Allele origin: germline.

Labcorp Genetics (formerly Invitae), Labcorp
Classification: Uncertain significance. Last evaluated: 2023-10-17. Review status: criteria provided, single submitter. Criteria: Invitae Variant Classification Sherloc (09022015). Collection method: clinical testing. Allele origin: germline.
Comment: This sequence change replaces arginine, which is basic and polar, with serine, which is neutral and polar, at codon 239 of the NEK2 protein (p.Arg239Ser). This variant is present in population databases (rs763642279, gnomAD no frequency). This variant has not been reported in the literature in individuals affected with NEK2-related conditions. An algorithm developed to predict the effect of missense changes on protein structure and function (PolyPhen-2) suggests that this variant is likely to be tolerated. In summary, the available evidence is currently insufficient to determine the role of this variant in disease. Therefore, it has been classified as a Variant of Uncertain Significance.